The following is an entry in ClinVar:

NM_000053.4(ATP7B):c.389C>G (p.Ala130Gly)

Gene: ATP7B (ATPase copper transporting beta; minus strand). Cytogenetic location: 13q14.3.
Variant type: single nucleotide variant.
Coding change: c.389C>G on transcript NM_000053.4 (MANE Select); coding-DNA position 389, C replaced by G.
Protein change: p.Ala130Gly; replaces alanine 130 with glycine.
Molecular consequence: missense variant.
Genome position (GRCh38, 1-based): chr13:51,974,831, G>C on the plus strand (C>G on the coding strand, the complement: ATP7B is on the minus strand). VCF-style: chr13-51974831-G-C. GRCh37 (hg19) VCF-style: chr13-52548967-G-C.
Other names: c.389C>G, p.Ala130Gly (NM_001005918.3, NM_001243182.2, NM_001330578.2 and 1 more transcripts); short protein forms A130G.
Identifiers: ClinVar variation 972453 (VCV000972453.12), dbSNP rs753045361, ClinGen allele CA6989572.

ClinVar aggregate classification (germline): Uncertain significance. Review status: criteria provided, multiple submitters, no conflicts (2 of 4 stars). 4 submissions from 4 submitters: Uncertain significance (3). 1 of the submissions does not count toward it. Last evaluated 2023-09-17.

Conditions:
Wilson disease (WND). Also called: Wilson's disease. Identifiers: Orphanet 905, MedGen C0019202, MONDO:0010200, OMIM 277900. Disease mechanism: loss of function.

Allele frequency attached by ClinVar (database versions not stated): TOPMed 0.00001; ExAC 0.00002; gnomAD exomes 0.00002.
gnomAD v4.1: 9 of 1,614,184 alleles (0.00056%); highest among the groups gnomAD compares: Admixed American, 0.015%; no homozygotes.

Submissions (4):

All of Us Research Program, National Institutes of Health
Classification: Uncertain significance for Wilson disease. Last evaluated: 2023-09-17. Review status: criteria provided, single submitter. Criteria: ACMG Guidelines, 2015. Collection method: clinical testing. Allele origin: germline. Inheritance: Autosomal recessive inheritance. Observed: 1 variant allele, 1 heterozygote.
Comment: This missense variant replaces alanine with glycine at codon 130 of the ATP7B protein. Computational prediction suggests that this variant may not impact protein structure and function (internally defined REVEL score threshold <= 0.5, PMID: 27666373). To our knowledge, functional studies have not been reported for this variant. This variant has not been reported in individuals affected with ATP7B-related disorders in the literature. This variant has been identified in 6/249348 chromosomes in the general population by the Genome Aggregation Database (gnomAD). The available evidence is insufficient to determine the role of this variant in disease conclusively. Therefore, this variant is classified as a Variant of Uncertain Significance.

This study involves interpretation of variants in research participants for the purpose of population health screening. Participant phenotype was not available at the time of variant classification. Additional details can be found in publication PMID: 35346344, PMCID: PMC8962531

Labcorp Genetics (formerly Invitae), Labcorp
Classification: Uncertain significance for Wilson disease. Last evaluated: 2022-07-08. Review status: criteria provided, single submitter. Criteria: Invitae Variant Classification Sherloc (09022015). Collection method: clinical testing. Allele origin: germline.
Comment: This sequence change replaces alanine, which is neutral and non-polar, with glycine, which is neutral and non-polar, at codon 130 of the ATP7B protein (p.Ala130Gly). This variant is present in population databases (rs753045361, gnomAD 0.02%). This variant has not been reported in the literature in individuals affected with ATP7B-related conditions. ClinVar contains an entry for this variant (Variation ID: 972453). Advanced modeling of protein sequence and biophysical properties (such as structural, functional, and spatial information, amino acid conservation, physicochemical variation, residue mobility, and thermodynamic stability) performed at Invitae indicates that this missense variant is not expected to disrupt ATP7B protein function. In summary, the available evidence is currently insufficient to determine the role of this variant in disease. Therefore, it has been classified as a Variant of Uncertain Significance.

Fulgent Genetics
Classification: Uncertain significance for Wilson disease. Last evaluated: 2022-04-07. Review status: criteria provided, single submitter. Criteria: ACMG Guidelines, 2015. Collection method: clinical testing. Allele origin: unknown.

Natera, Inc.
Classification: Uncertain significance for Wilson disease. Last evaluated: 2020-01-24. Review status: no assertion criteria provided. Collection method: clinical testing. Allele origin: germline. Not counted in ClinVar's aggregate classification.